The following is an entry in ClinVar:

NM_001384140.1(PCDH15):c.596C>A (p.Thr199Lys)

Gene: PCDH15 (protocadherin related 15; minus strand). Cytogenetic location: 10q21.1.
Variant type: single nucleotide variant.
Coding change: c.596C>A on transcript NM_001384140.1 (MANE Select); coding-DNA position 596, C replaced by A.
Protein change: p.Thr199Lys; replaces threonine 199 with lysine.
Molecular consequence: missense variant. On other transcripts: intron variant (1).
Genome position (GRCh38, 1-based): chr10:54,329,705, G>T on the plus strand (C>A on the coding strand, the complement: PCDH15 is on the minus strand). VCF-style: chr10-54329705-G-T. GRCh37 (hg19) VCF-style: chr10-56089465-G-T.
Other names: c.611C>A, p.Thr204Lys (NM_001142763.2, NM_001142769.4, NM_001142771.2); c.596C>A, p.Thr199Lys (NM_001142764.2, NM_001142765.2, NM_001142766.2 and 7 more transcripts); c.530C>A, p.Thr177Lys (NM_001142768.2, NM_001142773.2, NM_001354404.2); c.595-12264C>A (NM_001142767.2); short protein forms T204K, T177K, T199K.
Identifiers: ClinVar variation 1508583 (VCV001508583.6), dbSNP rs2133884443, ClinGen allele CA376541351.

ClinVar aggregate classification (germline): Uncertain significance (1 of 4 stars; one submission).

Submission:

Labcorp Genetics (formerly Invitae), Labcorp
Classification: Uncertain significance. Last evaluated: 2025-03-10. Review status: criteria provided, single submitter. Criteria: Invitae Variant Classification Sherloc (09022015). Collection method: clinical testing. Allele origin: germline.
Comment: This sequence change replaces threonine, which is neutral and polar, with lysine, which is basic and polar, at codon 199 of the PCDH15 protein (p.Thr199Lys). This variant is not present in population databases (gnomAD no frequency). This variant has not been reported in the literature in individuals affected with PCDH15-related conditions. ClinVar contains an entry for this variant (Variation ID: 1508583). Invitae Evidence Modeling of protein sequence and biophysical properties (such as structural, functional, and spatial information, amino acid conservation, physicochemical variation, residue mobility, and thermodynamic stability) indicates that this missense variant is not expected to disrupt PCDH15 protein function with a negative predictive value of 95%. In summary, the available evidence is currently insufficient to determine the role of this variant in disease. Therefore, it has been classified as a Variant of Uncertain Significance.